The following is an entry in ClinVar:

ClinVar aggregate classification (germline): Likely benign. Review status: criteria provided, multiple submitters, no conflicts (2 of 4 stars). 2 submissions from 2 submitters: Likely benign (2). Last evaluated 2026-07-01.

Conditions:
Inborn genetic diseases. Identifiers: MedGen C0950123, MeSH D030342.

gnomAD v4.1: 46 of 1,614,106 alleles (0.0028%); highest among the groups gnomAD compares: Admixed American, 0.06%; no homozygotes.

Submissions (2):

CeGaT Center for Human Genetics Tuebingen
Classification: Likely benign. Last evaluated: 2026-07-01. Review status: criteria provided, single submitter. Criteria: CeGaT Center For Human Genetics Tuebingen Variant Classification Criteria Version 2. Collection method: clinical testing. Allele origin: germline. Affected: yes. Observed: 2 variant alleles.
Comment: MED13: BP4

Ambry Genetics
Classification: Likely benign for Inborn genetic diseases. Last evaluated: 2025-08-14. Review status: criteria provided, single submitter. Criteria: Ambry Variant Classification Scheme 2023. Collection method: clinical testing. Allele origin: germline.

NM_005121.3(MED13):c.3689A>G (p.Asn1230Ser)

Gene: MED13 (mediator complex subunit 13; minus strand). Cytogenetic location: 17q23.2.
Variant type: single nucleotide variant.
Coding change: c.3689A>G on transcript NM_005121.3 (MANE Select); coding-DNA position 3689, A replaced by G.
Protein change: p.Asn1230Ser; replaces asparagine 1230 with serine.
Molecular consequence: missense variant.
Genome position (GRCh38, 1-based): chr17:61,982,314, T>C on the plus strand (A>G on the coding strand, the complement: MED13 is on the minus strand). VCF-style: chr17-61982314-T-C. GRCh37 (hg19) VCF-style: chr17-60059675-T-C.
Other names: short protein forms N1230S.
Identifiers: ClinVar variation 4106036 (VCV004106036.5).